The following is an entry in ClinVar:

NM_024915.4(GRHL2):c.303T>A (p.Ser101Arg)

Gene: GRHL2 (grainyhead like transcription factor 2; plus strand). Cytogenetic location: 8q22.3.
Variant type: single nucleotide variant.
Coding change: c.303T>A on transcript NM_024915.4 (MANE Select); coding-DNA position 303, T replaced by A.
Protein change: p.Ser101Arg; replaces serine 101 with arginine.
Molecular consequence: missense variant.
Genome position (GRCh38, 1-based): chr8:101,558,437, T>A. VCF-style: chr8-101558437-T-A. GRCh37 (hg19) VCF-style: chr8-102570665-T-A.
Other names: c.255T>A, p.Ser85Arg (NM_001330593.2); short protein forms S101R, S85R.
Identifiers: ClinVar variation 1697990 (VCV001697990.10), dbSNP rs140106332, ClinGen allele CA4830282.

ClinVar aggregate classification (germline): Conflicting classifications of pathogenicity. Review status: criteria provided, conflicting classifications (1 of 4 stars). 4 submissions from 4 submitters: Uncertain significance (2); Likely benign (2). Last evaluated 2026-03-03.

Conditions:
GRHL2-related disorder. Also called: GRHL2-related disorders; GRHL2-related condition.
Inborn genetic diseases. Identifiers: MedGen C0950123, MeSH D030342.

Allele frequency attached by ClinVar (database versions not stated): gnomAD exomes 0.00016 and 0.00007; 1000 Genomes Project 0.00020; ESP Exome Variant Server 0.00023; gnomAD 0.00008; ExAC 0.00014; TOPMed 0.00015; 1000 Genomes Project 30x 0.00016.
gnomAD v4.1: 124 of 1,614,128 alleles (0.0077%); highest among the groups gnomAD compares: East Asian, 0.022%; no homozygotes.

Submissions (4):

PreventionGenetics, part of Exact Sciences
Classification: Likely benign for GRHL2-related condition. Last evaluated: 2026-03-03. Review status: criteria provided, single submitter. Criteria: ACMG Guidelines, 2015. Collection method: clinical testing. Allele origin: germline.
Comment: This variant is classified as likely benign based on ACMG/AMP sequence variant interpretation guidelines (Richards et al. 2015 PMID: 25741868, with internal and published modifications).

Labcorp Genetics (formerly Invitae), Labcorp
Classification: Likely benign. Last evaluated: 2025-11-08. Review status: criteria provided, single submitter. Criteria: Invitae Variant Classification Sherloc (09022015). Collection method: clinical testing. Allele origin: germline.

Ambry Genetics
Classification: Uncertain significance for Inborn genetic diseases. Last evaluated: 2023-03-16. Review status: criteria provided, single submitter. Criteria: Ambry Variant Classification Scheme 2023. Collection method: clinical testing. Allele origin: germline.

GeneDx
Classification: Uncertain significance. Last evaluated: 2022-07-08. Review status: criteria provided, single submitter. Criteria: GeneDx Variant Classification Process June 2021. Collection method: clinical testing. Allele origin: germline. Affected: yes.
Comment: In silico analysis supports that this missense variant does not alter protein structure/function; Has not been previously published as pathogenic or benign to our knowledge